The following is an entry in ClinVar:

NM_001034853.2(RPGR):c.2953G>T (p.Glu985Ter)

Gene: RPGR (retinitis pigmentosa GTPase regulator; minus strand). Cytogenetic location: Xp11.4.
Variant type: single nucleotide variant.
Coding change: c.2953G>T on transcript NM_001034853.2 (MANE Select); coding-DNA position 2953, G replaced by T.
Protein change: p.Glu985Ter; replaces glutamic acid 985 with a stop codon.
Molecular consequence: nonsense. On other transcripts: intron variant (8).
Genome position (GRCh38, 1-based): chrX:38,286,046, C>A on the plus strand (G>T on the coding strand, the complement: RPGR is on the minus strand). VCF-style: chrX-38286046-C-A. GRCh37 (hg19) VCF-style: chrX-38145299-C-A.
Other names: c.1569+4913G>T (NM_001367249.1, NM_001367250.1); c.1902+1048G>T (NM_001367245.1); c.1386+4913G>T (NM_001367251.1); c.1719+1048G>T (NM_001367246.1); c.1572+4913G>T (NM_001367247.1); c.1905+1048G>T (NM_000328.3); c.1602+4913G>T (NM_001367248.1); short protein forms E985*.
Identifiers: ClinVar variation 1999544 (VCV001999544.4), dbSNP rs2519784367, ClinGen allele CA412729369.

ClinVar aggregate classification (germline): Pathogenic (1 of 4 stars; one submission).

Conditions:
Primary ciliary dyskinesia. Also called: Ciliary dyskinesia. Identifiers: Orphanet 244, MedGen C0008780, MONDO:0016575, HP:0012265.

Submission:

Labcorp Genetics (formerly Invitae), Labcorp
Classification: Pathogenic for Primary ciliary dyskinesia. Last evaluated: 2022-05-27. Review status: criteria provided, single submitter. Criteria: Invitae Variant Classification Sherloc (09022015). Collection method: clinical testing. Allele origin: germline.
Comment: This sequence change creates a premature translational stop signal (p.Glu985*) in the RPGR (ORF15) gene. While this is not anticipated to result in nonsense mediated decay, it is expected to disrupt the last 168 amino acid(s) of the RPGR (ORF15) protein. This variant is not present in population databases (gnomAD no frequency). This variant has not been reported in the literature in individuals affected with RPGR (ORF15)-related conditions. This variant disrupts a region of the RPGR (ORF15) protein in which other variant(s) (p.Leu1130Lysfs*13) have been determined to be pathogenic (PMID: 22264887; Invitae). This suggests that this is a clinically significant region of the protein, and that variants that disrupt it are likely to be disease-causing. For these reasons, this variant has been classified as Pathogenic.

Literature cited by the submitters: PubMed 22264887.